The following is an entry in ClinVar:

NM_080680.3(COL11A2):c.485C>T (p.Thr162Ile)

Gene: COL11A2 (collagen type XI alpha 2 chain; minus strand). Cytogenetic location: 6p21.32.
Variant type: single nucleotide variant.
Coding change: c.485C>T on transcript NM_080680.3 (MANE Select); coding-DNA position 485, C replaced by T.
Protein change: p.Thr162Ile; replaces threonine 162 with isoleucine.
Molecular consequence: missense variant.
Genome position (GRCh38, 1-based): chr6:33,188,483, G>A on the plus strand (C>T on the coding strand, the complement: COL11A2 is on the minus strand). VCF-style: chr6-33188483-G-A. GRCh37 (hg19) VCF-style: chr6-33156260-G-A.
Other names: c.485C>T, p.Thr162Ile (NM_001163771.2, NM_080679.3, NM_080681.3); short protein forms T162I.
Identifiers: ClinVar variation 1434956 (VCV001434956.7), dbSNP rs1310968912, ClinGen allele CA363611690.

ClinVar aggregate classification (germline): Uncertain significance. Review status: criteria provided, multiple submitters, no conflicts (2 of 4 stars). 2 submissions from 2 submitters: Uncertain significance (2). Last evaluated 2023-06-04.

Allele frequency attached by ClinVar (database versions not stated): gnomAD exomes 0.00001; TOPMed 0.00002.
gnomAD v4.1: 22 of 1,613,076 alleles (0.0014%); highest among the groups gnomAD compares: Non-Finnish European, 0.0019%; no homozygotes.

Submissions (2):

Labcorp Genetics (formerly Invitae), Labcorp
Classification: Uncertain significance. Last evaluated: 2023-06-04. Review status: criteria provided, single submitter. Criteria: Invitae Variant Classification Sherloc (09022015). Collection method: clinical testing. Allele origin: germline.
Comment: In summary, the available evidence is currently insufficient to determine the role of this variant in disease. Therefore, it has been classified as a Variant of Uncertain Significance. Advanced modeling of protein sequence and biophysical properties (such as structural, functional, and spatial information, amino acid conservation, physicochemical variation, residue mobility, and thermodynamic stability) performed at Invitae indicates that this missense variant is not expected to disrupt COL11A2 protein function. ClinVar contains an entry for this variant (Variation ID: 1434956). This variant has not been reported in the literature in individuals affected with COL11A2-related conditions. This variant is present in population databases (no rsID available, gnomAD 0.002%). This sequence change replaces threonine, which is neutral and polar, with isoleucine, which is neutral and non-polar, at codon 162 of the COL11A2 protein (p.Thr162Ile).

Blueprint Genetics
Classification: Uncertain significance. Last evaluated: 2021-12-22. Review status: criteria provided, single submitter. Criteria: ACMG Guidelines, 2015. Collection method: clinical testing. Allele origin: germline.